The following is an entry in ClinVar:

ClinVar aggregate classification (germline): Conflicting classifications of pathogenicity. Review status: criteria provided, conflicting classifications (1 of 4 stars). 2 submissions from 2 submitters: Uncertain significance (1); Likely benign (1). Last evaluated 2025-10-06.

Conditions:
Hereditary cancer-predisposing syndrome. Also called: Tumor predisposition; Neoplastic Syndromes, Hereditary; Hereditary neoplastic syndrome; Hereditary Cancer Syndrome. Identifiers: Orphanet 140162, MedGen C0027672, MeSH D009386, MONDO:0015356.
Gastrointestinal stromal tumor. Also called: Gastrointestinal stromal tumor, somatic; Gastrointestinal stroma tumor. Identifiers: Orphanet 44890, MedGen C0238198, MeSH D046152, MONDO:0011719, OMIM 606764, HP:0100723.

Allele frequency attached by ClinVar (database versions not stated): gnomAD exomes below 0.00001.
gnomAD v4.1: 1 of 1,614,142 alleles (0.000062%); highest among the groups gnomAD compares: Non-Finnish European, 0.000085%; no homozygotes.

Submissions (2):

Ambry Genetics
Classification: Likely benign for Hereditary cancer-predisposing syndrome. Last evaluated: 2025-10-06. Review status: criteria provided, single submitter. Criteria: Ambry Variant Classification Scheme 2023. Collection method: clinical testing. Allele origin: germline.

Labcorp Genetics (formerly Invitae), Labcorp
Classification: Uncertain significance for Gastrointestinal stromal tumor. Last evaluated: 2025-06-03. Review status: criteria provided, single submitter. Criteria: Invitae Variant Classification Sherloc (09022015). Collection method: clinical testing. Allele origin: germline.
Comment: This sequence change replaces isoleucine, which is neutral and non-polar, with methionine, which is neutral and non-polar, at codon 542 of the KIT protein (p.Ile542Met). This variant is not present in population databases (gnomAD no frequency). This variant has not been reported in the literature in individuals affected with KIT-related conditions. ClinVar contains an entry for this variant (Variation ID: 1023528). An algorithm developed to predict the effect of missense changes on protein structure and function (PolyPhen-2) suggests that this variant is likely to be disruptive. In summary, the available evidence is currently insufficient to determine the role of this variant in disease. Therefore, it has been classified as a Variant of Uncertain Significance.

NM_000222.3(KIT):c.1626T>G (p.Ile542Met)

Gene: KIT (KIT proto-oncogene, receptor tyrosine kinase; plus strand). Cytogenetic location: 4q12.
Variant type: single nucleotide variant.
Coding change: c.1626T>G on transcript NM_000222.3 (MANE Select); coding-DNA position 1626, T replaced by G.
Protein change: p.Ile542Met; replaces isoleucine 542 with methionine.
Molecular consequence: missense variant.
Genome position (GRCh38, 1-based): chr4:54,727,303, T>G. VCF-style: chr4-54727303-T-G. GRCh37 (hg19) VCF-style: chr4-55593469-T-G.
Other names: c.1629T>G, p.Ile543Met (NM_001385284.1, NM_001385290.1); c.1626T>G, p.Ile542Met (NM_001385285.1); c.1614T>G, p.Ile538Met (NM_001385286.1, NM_001093772.2); c.1617T>G, p.Ile539Met (NM_001385288.1, NM_001385292.1); short protein forms I538M, I539M, I542M, I543M.
Identifiers: ClinVar variation 1023528 (VCV001023528.10), dbSNP rs1722288511, ClinGen allele CA356907352.
Genomic context (GRCh38, chr4:54,727,303, plus strand): 5'-CACTCCTTTGCTGATTGGTTTCGTAATCGTAGCTGGCATGATGTGCATTATTGTGATGAT[T>G]CTGACCTACAAATATTTACAGGTAACCATTTATTTGTTCTCTCTCCAGAGTGCTCTAATG-3'
Protein context (NP_000213.1, residues 532-552): VAGMMCIIVM[Ile542Met]LTYKYLQKPM